The following is an entry in ClinVar:

NM_004656.4(BAP1):c.1691T>G (p.Leu564Arg)

Gene: BAP1 (BRCA1 associated deubiquitinase 1; minus strand). Cytogenetic location: 3p21.1.
Variant type: single nucleotide variant.
Coding change: c.1691T>G on transcript NM_004656.4 (MANE Select); coding-DNA position 1691, T replaced by G.
Protein change: p.Leu564Arg; replaces leucine 564 with arginine.
Molecular consequence: missense variant.
Genome position (GRCh38, 1-based): chr3:52,403,454, A>C on the plus strand (T>G on the coding strand, the complement: BAP1 is on the minus strand). VCF-style: chr3-52403454-A-C. GRCh37 (hg19) VCF-style: chr3-52437470-A-C.
Other names: c.1637T>G, p.Leu546Arg (NM_001410772.1); short protein forms L546R, L564R.
Identifiers: ClinVar variation 4867357 (VCV004867357.1).

ClinVar aggregate classification (germline): Uncertain significance (1 of 4 stars; one submission).

Conditions:
Hereditary cancer-predisposing syndrome. Also called: Neoplastic Syndromes, Hereditary; Tumor predisposition; Hereditary Cancer Syndrome; Hereditary neoplastic syndrome. Identifiers: Orphanet 140162, MedGen C0027672, MeSH D009386, MONDO:0015356.

Submission:

Ambry Genetics
Classification: Uncertain significance for Hereditary cancer-predisposing syndrome. Last evaluated: 2026-04-15. Review status: criteria provided, single submitter. Criteria: Ambry Variant Classification Scheme 2023. Collection method: clinical testing. Allele origin: germline.
Comment: The p.L564R variant (also known as c.1691T>G), located in coding exon 13 of the BAP1 gene, results from a T to G substitution at nucleotide position 1691. The leucine at codon 564 is replaced by arginine, an amino acid with dissimilar properties. This amino acid position is conserved. In addition, this alteration is predicted to be deleterious by in silico analysis. Based on the available evidence, the clinical significance of this variant remains unclear.